The following is an entry in ClinVar:

ClinVar aggregate classification (germline): Uncertain significance. Review status: criteria provided, multiple submitters, no conflicts (2 of 4 stars). 2 submissions from 2 submitters: Uncertain significance (2). Last evaluated 2025-06-30.

Conditions:
DNAH2-related disorder. Also called: DNAH2-related condition.
Inborn genetic diseases. Identifiers: MedGen C0950123, MeSH D030342.

gnomAD v4.1: 49 of 1,614,032 alleles (0.003%); highest among the groups gnomAD compares: Admixed American, 0.03%; no homozygotes.

Submissions (2):

PreventionGenetics, part of Exact Sciences
Classification: Uncertain significance for DNAH2-related condition. Last evaluated: 2025-06-30. Review status: criteria provided, single submitter. Criteria: ACMG Guidelines, 2015. Collection method: clinical testing. Allele origin: germline.
Comment: The DNAH2 c.7189C>G variant is predicted to result in the amino acid substitution p.Arg2397Gly. To our knowledge, this variant has not been reported in the literature. This variant is reported in 0.0058% of alleles in individuals of Latino descent in gnomAD. At this time, the clinical significance of this variant is uncertain due to the absence of conclusive functional and genetic evidence.

Ambry Genetics
Classification: Uncertain significance for Inborn genetic diseases. Last evaluated: 2022-11-21. Review status: criteria provided, single submitter. Criteria: Ambry Variant Classification Scheme 2023. Collection method: clinical testing. Allele origin: germline.

NM_020877.5(DNAH2):c.7189C>G (p.Arg2397Gly)

Gene: DNAH2 (dynein axonemal heavy chain 2; plus strand). Cytogenetic location: 17p13.1.
Variant type: single nucleotide variant.
Coding change: c.7189C>G on transcript NM_020877.5 (MANE Select); coding-DNA position 7189, C replaced by G.
Protein change: p.Arg2397Gly; replaces arginine 2397 with glycine.
Molecular consequence: missense variant.
Genome position (GRCh38, 1-based): chr17:7,792,700, C>G. VCF-style: chr17-7792700-C-G. GRCh37 (hg19) VCF-style: chr17-7696018-C-G.
Other names: c.7189C>G (NM_020877.3); short protein forms R2397G.
Identifiers: ClinVar variation 2224296 (VCV002224296.3), dbSNP rs769442295, ClinGen allele CA287491332.